The following is an entry in ClinVar:

NM_152703.5(SAMD9L):c.4592G>A (p.Gly1531Asp)

Gene: SAMD9L (sterile alpha motif domain containing 9 like; minus strand). Cytogenetic location: 7q21.2.
Variant type: single nucleotide variant.
Coding change: c.4592G>A on transcript NM_152703.5 (MANE Select); coding-DNA position 4592, G replaced by A.
Protein change: p.Gly1531Asp; replaces glycine 1531 with aspartic acid.
Molecular consequence: missense variant.
Genome position (GRCh38, 1-based): chr7:93,131,380, C>T on the plus strand (G>A on the coding strand, the complement: SAMD9L is on the minus strand). VCF-style: chr7-93131380-C-T. GRCh37 (hg19) VCF-style: chr7-92760693-C-T.
Other names: c.4592G>A, p.Gly1531Asp (NM_001303496.3, NM_001303497.3, NM_001303498.3 and 5 more transcripts); short protein forms G1531D.
Identifiers: ClinVar variation 4863945 (VCV004863945.1).

ClinVar aggregate classification (germline): Uncertain significance (1 of 4 stars; one submission).

Conditions:
Inborn genetic diseases. Identifiers: MedGen C0950123, MeSH D030342.

Submission:

Ambry Genetics
Classification: Uncertain significance for Inborn genetic diseases. Last evaluated: 2026-04-18. Review status: criteria provided, single submitter. Criteria: Ambry Variant Classification Scheme 2023. Collection method: clinical testing. Allele origin: germline.
Comment: The p.G1531D variant (also known as c.4592G>A), located in coding exon 1 of the SAMD9L gene, results from a G to A substitution at nucleotide position 4592. The glycine at codon 1531 is replaced by aspartic acid, an amino acid with similar properties. This amino acid position is conserved. In addition, this alteration is predicted to be tolerated by in silico analysis. Based on the available evidence, the clinical significance of this variant remains unclear.